The following is an entry in ClinVar:

ClinVar aggregate classification (germline): Uncertain significance (1 of 4 stars; one submission).

Conditions:
Inborn genetic diseases. Identifiers: MedGen C0950123, MeSH D030342.

Submission:

Ambry Genetics
Classification: Uncertain significance for Inborn genetic diseases. Last evaluated: 2021-08-07. Review status: criteria provided, single submitter. Criteria: Ambry Variant Classification Scheme 2023. Collection method: clinical testing. Allele origin: germline.
Comment: The p.S395C variant (also known as c.1184C>G), located in coding exon 12 of the ERCC2 gene, results from a C to G substitution at nucleotide position 1184. The serine at codon 395 is replaced by cysteine, an amino acid with dissimilar properties. This amino acid position is conserved. In addition, this alteration is predicted to be deleterious by in silico analysis. Since supporting evidence is limited at this time, the clinical significance of this alteration remains unclear.

NM_000400.4(ERCC2):c.1184C>G (p.Ser395Cys)

Gene: ERCC2 (ERCC excision repair 2, TFIIH core complex helicase subunit; minus strand). Cytogenetic location: 19q13.32.
Variant type: single nucleotide variant.
Coding change: c.1184C>G on transcript NM_000400.4 (MANE Select); coding-DNA position 1184, C replaced by G.
Protein change: p.Ser395Cys; replaces serine 395 with cysteine.
Molecular consequence: missense variant.
Genome position (GRCh38, 1-based): chr19:45,361,577, G>C on the plus strand (C>G on the coding strand, the complement: ERCC2 is on the minus strand). VCF-style: chr19-45361577-G-C. GRCh37 (hg19) VCF-style: chr19-45864835-G-C.
Other names: c.1112C>G, p.Ser371Cys (NM_001130867.2); short protein forms S371C, S395C.
Identifiers: ClinVar variation 1742977 (VCV001742977.2), dbSNP rs2514023338, ClinGen allele CA406369947.